The following is an entry in ClinVar:

ClinVar aggregate classification (germline): Uncertain significance (1 of 4 stars; one submission).

Submission:

Labcorp Genetics (formerly Invitae), Labcorp
Classification: Uncertain significance. Last evaluated: 2025-03-27. Review status: criteria provided, single submitter. Criteria: Invitae Variant Classification Sherloc (09022015). Collection method: clinical testing. Allele origin: germline.
Comment: This sequence change replaces aspartic acid, which is acidic and polar, with asparagine, which is neutral and polar, at codon 1040 of the TOP2B protein (p.Asp1040Asn). This variant is not present in population databases (gnomAD no frequency). This variant has not been reported in the literature in individuals affected with TOP2B-related conditions. ClinVar contains an entry for this variant (Variation ID: 2091404). An algorithm developed to predict the effect of missense changes on protein structure and function (PolyPhen-2) suggests that this variant is likely to be tolerated. In summary, the available evidence is currently insufficient to determine the role of this variant in disease. Therefore, it has been classified as a Variant of Uncertain Significance.

NM_001330700.2(TOP2B):c.3133G>A (p.Asp1045Asn)

Gene: TOP2B (DNA topoisomerase II beta; minus strand). Cytogenetic location: 3p24.2.
Variant type: single nucleotide variant.
Coding change: c.3133G>A on transcript NM_001330700.2 (MANE Select); coding-DNA position 3133, G replaced by A.
Protein change: p.Asp1045Asn; replaces aspartic acid 1045 with asparagine.
Molecular consequence: missense variant.
Genome position (GRCh38, 1-based): chr3:25,618,780, C>T on the plus strand (G>A on the coding strand, the complement: TOP2B is on the minus strand). VCF-style: chr3-25618780-C-T. GRCh37 (hg19) VCF-style: chr3-25660271-C-T.
Other names: c.3118G>A, p.Asp1040Asn (NM_001068.3); short protein forms D1040N, D1045N.
Identifiers: ClinVar variation 2091404 (VCV002091404.4), dbSNP rs2470323476, ClinGen allele CA351897389.